The following is an entry in ClinVar:

ClinVar aggregate classification (germline): Likely benign (0 of 4 stars; one submission).

Conditions:
DYRK1B-related disorder. Also called: DYRK1B-related condition.

Submission:

PreventionGenetics, part of Exact Sciences
Classification: Likely benign for DYRK1B-related condition. Last evaluated: 2022-12-08. Review status: no assertion criteria provided. Collection method: clinical testing. Allele origin: germline.
Comment: This variant is classified as likely benign based on ACMG/AMP sequence variant interpretation guidelines (Richards et al. 2015 PMID: 25741868, with internal and published modifications).

NM_004714.3(DYRK1B):c.1827T>G (p.Pro609=)

Gene: DYRK1B (dual specificity tyrosine phosphorylation regulated kinase 1B; minus strand). Cytogenetic location: 19q13.2.
Variant type: single nucleotide variant.
Coding change: c.1827T>G on transcript NM_004714.3 (MANE Select); coding-DNA position 1827, T replaced by G.
Protein change: p.Pro609=; no amino-acid change (proline 609 retained).
Molecular consequence: synonymous variant.
Genome position (GRCh38, 1-based): chr19:39,825,778, A>C on the plus strand (T>G on the coding strand, the complement: DYRK1B is on the minus strand). VCF-style: chr19-39825778-A-C. GRCh37 (hg19) VCF-style: chr19-40316418-A-C.
Other names: c.1707T>G, p.Pro569= (NM_006483.3); c.1743T>G, p.Pro581= (NM_006484.3).
Identifiers: ClinVar variation 3044298 (VCV003044298.2), dbSNP rs1968497789, ClinGen allele CA507664116.